The following is an entry in ClinVar:

NM_000088.4(COL1A1):c.3634G>A (p.Gly1212Ser)

Gene: COL1A1 (collagen type I alpha 1 chain; minus strand). Cytogenetic location: 17q21.33.
Variant type: single nucleotide variant.
Coding change: c.3634G>A on transcript NM_000088.4 (MANE Select); coding-DNA position 3634, G replaced by A.
Protein change: p.Gly1212Ser; replaces glycine 1212 with serine.
Molecular consequence: missense variant.
Genome position (GRCh38, 1-based): chr17:50,186,820, C>T on the plus strand (G>A on the coding strand, the complement: COL1A1 is on the minus strand). VCF-style: chr17-50186820-C-T. GRCh37 (hg19) VCF-style: chr17-48264181-C-T.
Other names: short protein forms G1212S.
Identifiers: ClinVar variation 4687227 (VCV004687227.1).
Genomic context (GRCh38, chr17:50,186,820, plus strand): 5'-CCACCTCGAGGTCACGGTCACGAACCACATTGGCATCATCAGCCCGGTAGTAGCGGCCAC[C>T]ATCGTGAGCCTTCTCTTGAGGTGGCTGGGGCAGGAAGCTGAAGTCGAAACCAGCGCTGGG-3'
Protein context (NP_000079.2, residues 1202-1222): PQPPQEKAHD[Gly1212Ser]GRYYRADDAN

ClinVar aggregate classification (germline): Uncertain significance (1 of 4 stars; one submission).

Submission:

Women's Health and Genetics/Laboratory Corporation of America, LabCorp
Classification: Uncertain significance. Last evaluated: 2025-10-17. Review status: criteria provided, single submitter. Criteria: LabCorp Variant Classification Summary - May 2015. Collection method: clinical testing. Allele origin: germline.
Comment: Variant summary: COL1A1 c.3634G>A (p.Gly1212Ser) results in a non-conservative amino acid change in the encoded protein sequence. Algorithms developed to predict the effect of missense changes on protein structure and function are either unavailable or do not agree on the potential impact of this missense change. The frequency data for this variant in gnomAD is considered unreliable, as metrics indicate poor data quality at this position. To our knowledge, no occurrence of c.3634G>A in individuals affected with COL1A1-related conditions and no experimental evidence demonstrating its impact on protein function have been reported. No submitters have cited clinical-significance assessments for this variant to ClinVar. Based on the evidence outlined above, the variant was classified as uncertain significance.